The following is an entry in ClinVar:

NM_014844.5(TECPR2):c.349C>T (p.Leu117Phe)

Gene: TECPR2 (tectonin beta-propeller repeat containing 2; plus strand). Cytogenetic location: 14q32.31.
Variant type: single nucleotide variant.
Coding change: c.349C>T on transcript NM_014844.5 (MANE Select); coding-DNA position 349, C replaced by T.
Protein change: p.Leu117Phe; replaces leucine 117 with phenylalanine.
Molecular consequence: missense variant.
Genome position (GRCh38, 1-based): chr14:102,408,488, C>T. VCF-style: chr14-102408488-C-T. GRCh37 (hg19) VCF-style: chr14-102874825-C-T.
Other names: c.349C>T, p.Leu117Phe (NM_001172631.3); short protein forms L117F.
Identifiers: ClinVar variation 4689269 (VCV004689269.1).

ClinVar aggregate classification (germline): Uncertain significance (1 of 4 stars; one submission).

gnomAD v4.1: 17 of 1,598,964 alleles (0.0011%); highest among the groups gnomAD compares: Non-Finnish European, 0.0014%; no homozygotes.

Submission:

Women's Health and Genetics/Laboratory Corporation of America, LabCorp
Classification: Uncertain significance. Last evaluated: 2026-01-19. Review status: criteria provided, single submitter. Criteria: LabCorp Variant Classification Summary - May 2015. Collection method: clinical testing. Allele origin: germline.
Comment: Variant summary: TECPR2 c.349C>T (p.Leu117Phe) results in a non-conservative amino acid change in the encoded protein sequence. Algorithms developed to predict the effect of missense changes on protein structure and function are either unavailable or do not agree on the potential impact of this missense change. Consensus agreement among computation tools predict no significant impact on normal splicing. However, these predictions have yet to be confirmed by functional studies. The variant was absent in 236530 control chromosomes. The available data on variant occurrences in the general population are insufficient to allow any conclusion about variant significance. To our knowledge, no occurrence of c.349C>T in individuals affected with TECPR2-related conditions and no experimental evidence demonstrating its impact on protein function have been reported. No submitters have cited clinical-significance assessments for this variant to ClinVar. Based on the evidence outlined above, the variant was classified as uncertain significance.